The following is an entry in ClinVar:

NM_001122630.2(CDKN1C):c.430G>C (p.Ala144Pro)

Gene: CDKN1C (cyclin dependent kinase inhibitor 1C; minus strand). Cytogenetic location: 11p15.4.
Variant type: single nucleotide variant.
Coding change: c.430G>C on transcript NM_001122630.2 (MANE Select); coding-DNA position 430, G replaced by C.
Protein change: p.Ala144Pro; replaces alanine 144 with proline.
Molecular consequence: missense variant. On other transcripts: intron variant (1).
Genome position (GRCh38, 1-based): chr11:2,885,027, C>G on the plus strand (G>C on the coding strand, the complement: CDKN1C is on the minus strand). VCF-style: chr11-2885027-C-G. GRCh37 (hg19) VCF-style: chr11-2906257-C-G.
Other names: c.463G>C, p.Ala155Pro (NM_000076.2, NM_001362474.2); c.430G>C, p.Ala144Pro (NM_001122631.2); c.255+175G>C (NM_001362475.2); short protein forms A144P, A155P.
Identifiers: ClinVar variation 843032 (VCV000843032.9), dbSNP rs1848952675, ClinGen allele CA379146650.

ClinVar aggregate classification (germline): Uncertain significance (1 of 4 stars; one submission).

Conditions:
Beckwith-Wiedemann syndrome (BWS). Also called: Exomphalos macroglossia gigantism syndrome; EMG SYNDROME. Identifiers: Orphanet 116, MedGen C0004903, MONDO:0007534, OMIM 130650.

Allele frequency attached by ClinVar (database versions not stated): gnomAD exomes below 0.00001.

Submission:

Labcorp Genetics (formerly Invitae), Labcorp
Classification: Uncertain significance for Beckwith-Wiedemann syndrome. Last evaluated: 2025-01-14. Review status: criteria provided, single submitter. Criteria: Invitae Variant Classification Sherloc (09022015). Collection method: clinical testing. Allele origin: germline.
Comment: This sequence change replaces alanine, which is neutral and non-polar, with proline, which is neutral and non-polar, at codon 155 of the CDKN1C protein (p.Ala155Pro). This variant is not present in population databases (gnomAD no frequency). This variant has not been reported in the literature in individuals affected with CDKN1C-related conditions. ClinVar contains an entry for this variant (Variation ID: 843032). Experimental studies and prediction algorithms are not available or were not evaluated, and the functional significance of this variant is currently unknown. In summary, the available evidence is currently insufficient to determine the role of this variant in disease. Therefore, it has been classified as a Variant of Uncertain Significance.